The following is an entry in ClinVar:

NM_001008212.2(OPTN):c.403G>T (p.Glu135Ter)

Gene: OPTN (optineurin; plus strand). Cytogenetic location: 10p13.
Variant type: single nucleotide variant.
Coding change: c.403G>T on transcript NM_001008212.2 (MANE Select); coding-DNA position 403, G replaced by T.
Protein change: p.Glu135Ter; replaces glutamic acid 135 with a stop codon.
Molecular consequence: nonsense.
Genome position (GRCh38, 1-based): chr10:13,112,486, G>T. VCF-style: chr10-13112486-G-T. GRCh37 (hg19) VCF-style: chr10-13154486-G-T.
Other names: c.403G>T, p.Glu135Ter (NM_001008211.1, NM_001008213.1, NM_021980.4); short protein forms E135*.
Identifiers: ClinVar variation 631627 (VCV000631627.27), dbSNP rs140599944, ClinGen allele CA5410616.

ClinVar aggregate classification (germline): Pathogenic. Review status: criteria provided, multiple submitters, no conflicts (2 of 4 stars). 3 submissions from 3 submitters: Pathogenic (2). 1 of the submissions does not count toward it. Last evaluated 2026-06-01.

Conditions:
Primary open angle glaucoma (POAG). Also called: OPTN-related open angle glaucoma. Identifiers: MedGen C0339573, MONDO:0100553, OMIM 137760.
Amyotrophic lateral sclerosis type 12 (ALS12). Also called: AMYOTROPHIC LATERAL SCLEROSIS 12 WITH OR WITHOUT FRONTOTEMPORAL DEMENTIA. Identifiers: Orphanet 803, MedGen C3150692, MONDO:0013264, OMIM 613435.
Glaucoma 1, open angle, E. Identifiers: MedGen C1842026, MONDO:0007665.

gnomAD v4.1: 17 of 1,614,006 alleles (0.0011%); highest among the groups gnomAD compares: Admixed American, 0.0017%; no homozygotes.

Submissions (3):

CeGaT Center for Human Genetics Tuebingen
Classification: Pathogenic. Last evaluated: 2026-06-01. Review status: criteria provided, single submitter. Criteria: CeGaT Center For Human Genetics Tuebingen Variant Classification Criteria Version 2. Collection method: clinical testing. Allele origin: germline. Affected: yes. Observed: 1 variant allele.
Comment: OPTN: PVS1, PM2, PM3

Labcorp Genetics (formerly Invitae), Labcorp
Classification: Pathogenic for Primary open angle glaucoma; Glaucoma 1, open angle, E; Amyotrophic lateral sclerosis type 12. Last evaluated: 2024-09-17. Review status: criteria provided, single submitter. Criteria: Invitae Variant Classification Sherloc (09022015). Collection method: clinical testing. Allele origin: germline.
Comment: This sequence change creates a premature translational stop signal (p.Glu135*) in the OPTN gene. It is expected to result in an absent or disrupted protein product. Loss-of-function variants in OPTN are known to be pathogenic (PMID: 20428114). This variant is present in population databases (rs140599944, gnomAD 0.008%). This premature translational stop signal has been observed in individual(s) with autosomal recessive amyotrophic lateral sclerosis (PMID: 29650794). ClinVar contains an entry for this variant (Variation ID: 631627). For these reasons, this variant has been classified as Pathogenic.

Laboratory for Molecular Genetic Diagnostic of Neurological Diseases, University of Belgrade, School of Medicine
Classification: Pathogenic for Amyotrophic lateral sclerosis type 12. Last evaluated: 2021-03-01. Review status: no assertion criteria provided. Collection method: clinical testing. Allele origin: germline. Inheritance: Autosomal recessive inheritance. Affected: yes. Observed: 2 variant alleles, 2 homozygotes. Clinical features observed: Confusion (HP:0001289), Abnormal speech pattern (HP:0002167), Memory impairment (HP:0002354), Frontotemporal dementia (HP:0002145), Dysphagia (HP:0002015), Incoordination (HP:0002370), Poor appetite (HP:0004396). Not counted in ClinVar's aggregate classification.

Literature cited by the submitters: PubMed 20428114 (cited by Labcorp Genetics (formerly Invitae), Labcorp); PubMed 29650794 (cited by Labcorp Genetics (formerly Invitae), Labcorp and Laboratory for Molecular Genetic Diagnostic of Neurological Diseases, University of Belgrade, School of Medicine).